The following is an entry in ClinVar:

NM_002633.3(PGM1):c.87_88del (p.Phe29fs)

Genes: PGM1 (phosphoglucomutase 1; plus strand), LOC129930668 (ATAC-STARR-seq lymphoblastoid active region 1127; plus strand). Cytogenetic location: 1p31.3.
Variant type: Deletion.
Coding change: c.87_88del on transcript NM_002633.3 (MANE Select); coding-DNA positions 87 to 88, 2 bases deleted (CC; older notation c.87_88delCC).
Protein change: p.Phe29fs; shifts the reading frame from phenylalanine 29.
Molecular consequence: frameshift variant.
Genome position (GRCh38, 1-based): chr1:63,593,575-63,593,576, CC deleted. VCF-style (leftmost placement, unchanged base first): chr1-63593574-TCC-T. GRCh37 (hg19) VCF-style: chr1-64059245-TCC-T.
Other names: c.87_88delCC (NM_002633.3); short protein forms F29fs.
Identifiers: ClinVar variation 663105 (VCV000663105.9), dbSNP rs1570463842, ClinGen allele CA915941304.

ClinVar aggregate classification (germline): Pathogenic. Review status: criteria provided, multiple submitters, no conflicts (2 of 4 stars). 4 submissions from 4 submitters: Pathogenic (2). 2 of the submissions do not count toward it. Last evaluated 2024-08-27.

Conditions:
PGM1-congenital disorder of glycosylation. Also called: Congenital disorder of glycosylation type 1t; GLYCOGEN STORAGE DISEASE XIV; GSD XIV; CDG It; PHOSPHOGLUCOMUTASE 1 DEFICIENCY; PGM1 DEFICIENCY. Identifiers: Orphanet 319646, MedGen C2752015, MONDO:0013968, OMIM 614921.

Allele frequency attached by ClinVar (database versions not stated): gnomAD exomes 0.00001.

Submissions (4):

Labcorp Genetics (formerly Invitae), Labcorp
Classification: Pathogenic for PGM1-congenital disorder of glycosylation. Last evaluated: 2024-08-27. Review status: criteria provided, single submitter. Criteria: Invitae Variant Classification Sherloc (09022015). Collection method: clinical testing. Allele origin: germline.
Comment: This sequence change creates a premature translational stop signal (p.Phe29Leufs*75) in the PGM1 gene. It is expected to result in an absent or disrupted protein product. Loss-of-function variants in PGM1 are known to be pathogenic (PMID: 22492991). This variant is not present in population databases (gnomAD no frequency). This variant has not been reported in the literature in individuals affected with PGM1-related conditions. ClinVar contains an entry for this variant (Variation ID: 663105). For these reasons, this variant has been classified as Pathogenic.

Women's Health and Genetics/Laboratory Corporation of America, LabCorp
Classification: Pathogenic for PGM1-congenital disorder of glycosylation. Last evaluated: 2023-12-08. Review status: criteria provided, single submitter. Criteria: LabCorp Variant Classification Summary - May 2015. Collection method: clinical testing. Allele origin: germline.
Comment: Variant summary: PGM1 c.87_88delCC (p.Phe29LeufsX75) results in a premature termination codon, predicted to cause a truncation of the encoded protein or absence of the protein due to nonsense mediated decay, which are commonly known mechanisms for disease. The variant was absent in 249576 control chromosomes. c.87_88delCC has been reported in the literature in at least one compound heterozygous individual affected with PGM1 deficiency (e.g. Conte_2020). These data do not allow any conclusion about variant significance. To our knowledge, no experimental evidence demonstrating an impact on protein function has been reported. The following publication has been ascertained in the context of this evaluation (PMID: 33342467). Two submitters have cited clinical-significance assessments for this variant to ClinVar after 2014. All submitters classified the variant as pathogenic. Based on the evidence outlined above, the variant was classified as pathogenic.

OMIM
Classification: Pathogenic for CONGENITAL DISORDER OF GLYCOSYLATION, TYPE It. Last evaluated: 2021-04-20. Review status: no assertion criteria provided. Collection method: literature only. Allele origin: germline. Not counted in ClinVar's aggregate classification.

Genomics And Bioinformatics Analysis Resource, Columbia University
Classification: Pathogenic for PGM1-congenital disorder of glycosylation. Review status: no assertion criteria provided. Collection method: research. Allele origin: unknown. Affected: yes. Not counted in ClinVar's aggregate classification.
Comment: Compound Heterozygous

Literature cited by the submitters: PubMed 22492991 (cited by Labcorp Genetics (formerly Invitae), Labcorp); PubMed 33342467 (cited by Women's Health and Genetics/Laboratory Corporation of America, LabCorp and OMIM).